The following is an entry in ClinVar:

NM_173551.5(ANKS6):c.360-992G>C

Gene: ANKS6 (ankyrin repeat and sterile alpha motif domain containing 6; minus strand). Cytogenetic location: 9q22.33.
Variant type: single nucleotide variant.
Coding change: c.360-992G>C on transcript NM_173551.5 (MANE Select); 992 bases into the intron before coding-DNA position 360, G replaced by C.
Molecular consequence: intron variant.
Genome position (GRCh38, 1-based): chr9:98,791,598, C>G on the plus strand (G>C on the coding strand, the complement: ANKS6 is on the minus strand). VCF-style: chr9-98791598-C-G. GRCh37 (hg19) VCF-style: chr9-101553880-C-G.
Identifiers: ClinVar variation 4292187 (VCV004292187.1).

ClinVar aggregate classification (germline): Uncertain significance (1 of 4 stars; one submission).

Conditions:
Nephronophthisis 16 (NPHP16). Identifiers: Orphanet 655, MedGen C3809320, MONDO:0014158, OMIM 615382.

Submission:

3billion
Classification: Uncertain significance for Nephronophthisis 16. Last evaluated: 2024-11-25. Review status: criteria provided, single submitter. Criteria: ACMG Guidelines, 2015. Collection method: clinical testing. Allele origin: germline. Affected: yes.
Comment: The variant is not observed in the gnomAD v4.1.0 dataset. Predicted Consequence/Location: Intron variant In silico tools predict the variant to alter splicing and produce an abnormal transcript [SpliceAI: 0.81 (>=0.2, moderate evidence for spliceogenicity)]. Therefore, this variant is classified as VUS according to the recommendation of ACMG/AMP guideline.